The following is an entry in ClinVar:

ClinVar aggregate classification (germline): Pathogenic. Review status: criteria provided, multiple submitters, no conflicts (2 of 4 stars). 5 submissions from 5 submitters: Pathogenic (4). 1 of the submissions does not count toward it. Last evaluated 2025-06-05.

Conditions:
Pyruvate dehydrogenase E1-beta deficiency (PDHBD). Identifiers: Orphanet 255138, Orphanet 765, MedGen C3279841, MONDO:0013580, OMIM 614111.

Allele frequency attached by ClinVar (database versions not stated): TOPMed below 0.00001; gnomAD exomes 0.00001 and 0.00003; ExAC 0.00004.

Submissions (5):

Dasa
Classification: Pathogenic. Last evaluated: 2025-06-05. Review status: criteria provided, single submitter. Criteria: DASA Assertion Criteria. Collection method: clinical testing. Allele origin: germline.
Comment: NM_000925.4(PDHB):c.301A>G (p.Met101Val) is a missense variant that results in the substitution of methionine with valine. The affected residue or protein region has prior evidence supporting clinical relevance. This variant has been observed in affected individuals with related phenotype in a genotype context consistent with recessive disease (PMID: 19924563; PMID: 21914562; PMID: 25356417; PMID: 26014431; PMID: 9924563). Functional evidence supports a deleterious effect on the gene or gene product (PMID: 19924563; PMID: 21914562; PMID: 25356417; PMID: 26014431; PMID: 9924563). This variant has been recurrently observed in individuals with related phenotype (PMID: 19924563; PMID: 21914562; PMID: 25356417; PMID: 26014431; PMID: 9924563). Multiple computational predictions support a deleterious effect on the gene or gene product. The variant is present at low frequency in population datasets. Based on the available data, this variant is classified as pathogenic.

Baylor Genetics
Classification: Pathogenic for Pyruvate dehydrogenase E1-beta deficiency. Last evaluated: 2024-03-27. Review status: criteria provided, single submitter. Criteria: ACMG Guidelines, 2015. Collection method: clinical testing. Allele origin: unknown.

Labcorp Genetics (formerly Invitae), Labcorp
Classification: Pathogenic for Pyruvate dehydrogenase E1-beta deficiency. Last evaluated: 2024-03-16. Review status: criteria provided, single submitter. Criteria: Invitae Variant Classification Sherloc (09022015). Collection method: clinical testing. Allele origin: germline.
Comment: This sequence change replaces methionine, which is neutral and non-polar, with valine, which is neutral and non-polar, at codon 101 of the PDHB protein (p.Met101Val). This variant is present in population databases (rs747573712, gnomAD 0.005%). This missense change has been observed in individual(s) with pyruvate dehydrogenase lipoic acid synthetase deficiency (PMID: 21914562, 25356417, 26014431). In at least one individual the data is consistent with being in trans (on the opposite chromosome) from a pathogenic variant. ClinVar contains an entry for this variant (Variation ID: 839569). An algorithm developed to predict the effect of missense changes on protein structure and function (PolyPhen-2) suggests that this variant is likely to be disruptive. For these reasons, this variant has been classified as Pathogenic.

CeGaT Center for Human Genetics Tuebingen
Classification: Pathogenic. Last evaluated: 2016-09-01. Review status: criteria provided, single submitter. Criteria: CeGaT Center For Human Genetics Tuebingen Variant Classification Criteria Version 2. Collection method: clinical testing. Allele origin: germline. Affected: yes. Observed: 1 variant allele.

OMIM
Classification: Pathogenic for PYRUVATE DEHYDROGENASE E1-BETA DEFICIENCY. Last evaluated: 2020-09-25. Review status: no assertion criteria provided. Collection method: literature only. Allele origin: germline. Not counted in ClinVar's aggregate classification.

Literature cited by the submitters: PubMed 19924563 (cited by Dasa and OMIM); PubMed 21914562 (cited by Dasa and Labcorp Genetics (formerly Invitae), Labcorp); PubMed 25356417 (cited by Dasa and Labcorp Genetics (formerly Invitae), Labcorp); PubMed 26014431 (cited by Dasa and Labcorp Genetics (formerly Invitae), Labcorp); PubMed 9924563 (cited by Dasa).

NM_000925.4(PDHB):c.301A>G (p.Met101Val)

Gene: PDHB (pyruvate dehydrogenase E1 subunit beta; minus strand). Cytogenetic location: 3p14.3.
Variant type: single nucleotide variant.
Coding change: c.301A>G on transcript NM_000925.4 (MANE Select); coding-DNA position 301, A replaced by G.
Protein change: p.Met101Val; replaces methionine 101 with valine.
Molecular consequence: missense variant. On other transcripts: non-coding transcript variant (1).
Genome position (GRCh38, 1-based): chr3:58,431,595, T>C on the plus strand (A>G on the coding strand, the complement: PDHB is on the minus strand). VCF-style: chr3-58431595-T-C. GRCh37 (hg19) VCF-style: chr3-58417322-T-C.
Other names: c.301A>G, p.Met101Val (NM_001173468.2); c.247A>G, p.Met83Val (NM_001315536.2); short protein forms M101V, M83V.
Identifiers: ClinVar variation 839569 (VCV000839569.51), dbSNP rs747573712, ClinGen allele CA2471597.